The following is an entry in ClinVar:

NM_004006.3(DMD):c.824C>A (p.Ser275Tyr)

Gene: DMD (dystrophin; minus strand). Cytogenetic location: Xp21.1.
Variant type: single nucleotide variant.
Coding change: c.824C>A on transcript NM_004006.3 (MANE Select); coding-DNA position 824, C replaced by A.
Protein change: p.Ser275Tyr; replaces serine 275 with tyrosine.
Molecular consequence: missense variant.
Genome position (GRCh38, 1-based): chrX:32,699,119, G>T on the plus strand (C>A on the coding strand, the complement: DMD is on the minus strand). VCF-style: chrX-32699119-G-T. GRCh37 (hg19) VCF-style: chrX-32717236-G-T.
Other names: c.800C>A, p.Ser267Tyr (NM_000109.4); c.812C>A, p.Ser271Tyr (NM_004009.3); c.455C>A, p.Ser152Tyr (NM_004010.3); short protein forms S275Y, S152Y, S271Y, S267Y.
Identifiers: ClinVar variation 2745368 (VCV002745368.4), dbSNP rs778915156, ClinGen allele CA10380068.

ClinVar aggregate classification (germline): Uncertain significance. Review status: criteria provided, multiple submitters, no conflicts (2 of 4 stars). 2 submissions from 2 submitters: Uncertain significance (2). Last evaluated 2024-06-29.

Conditions:
Duchenne muscular dystrophy (DMD). Also called: MUSCULAR DYSTROPHY, PSEUDOHYPERTROPHIC PROGRESSIVE, DUCHENNE TYPE; Duchenne Muscular Dystrophy (DMD). Identifiers: Orphanet 98896, MedGen C0013264, MONDO:0010679, OMIM 310200.
Cardiovascular phenotype. Identifiers: MedGen CN230736.

Allele frequency attached by ClinVar (database versions not stated): ExAC 0.00001; 1000 Genomes Project 30x 0.00021.

Submissions (2):

Ambry Genetics
Classification: Uncertain significance for Cardiovascular phenotype. Last evaluated: 2024-06-29. Review status: criteria provided, single submitter. Criteria: Ambry Variant Classification Scheme 2023. Collection method: clinical testing. Allele origin: germline.
Comment: The p.S275Y variant (also known as c.824C>A), located in coding exon 8 of the DMD gene, results from a C to A substitution at nucleotide position 824. The serine at codon 275 is replaced by tyrosine, an amino acid with dissimilar properties. This amino acid position is highly conserved in available vertebrate species. In addition, this alteration is predicted to be deleterious by in silico analysis. Based on the available evidence, the clinical significance of this variant remains unclear.

Labcorp Genetics (formerly Invitae), Labcorp
Classification: Uncertain significance for Duchenne muscular dystrophy. Last evaluated: 2023-12-22. Review status: criteria provided, single submitter. Criteria: Invitae Variant Classification Sherloc (09022015). Collection method: clinical testing. Allele origin: germline.
Comment: This sequence change replaces serine, which is neutral and polar, with tyrosine, which is neutral and polar, at codon 275 of the DMD protein (p.Ser275Tyr). This variant is not present in population databases (gnomAD no frequency). This variant has not been reported in the literature in individuals affected with DMD-related conditions. Advanced modeling of protein sequence and biophysical properties (such as structural, functional, and spatial information, amino acid conservation, physicochemical variation, residue mobility, and thermodynamic stability) performed at Invitae indicates that this missense variant is not expected to disrupt DMD protein function with a negative predictive value of 95%. In summary, the available evidence is currently insufficient to determine the role of this variant in disease. Therefore, it has been classified as a Variant of Uncertain Significance.